The following is an entry in ClinVar:

ClinVar aggregate classification (germline): Uncertain significance (1 of 4 stars; one submission).

Conditions:
Microcephaly, normal intelligence and immunodeficiency (NBS). Also called: Immunodeficiency, microcephaly with normal intelligence; Ataxia telangiectasia variant V1; IMMUNODEFICIENCY, MICROCEPHALY, AND CHROMOSOMAL INSTABILITY; BERLIN BREAKAGE SYNDROME; SEEMANOVA SYNDROME II; Nijmegen breakage syndrome. Identifiers: Orphanet 647, MedGen C0398791, MONDO:0009623, OMIM 251260.

Submission:

Labcorp Genetics (formerly Invitae), Labcorp
Classification: Uncertain significance for Microcephaly, normal intelligence and immunodeficiency. Last evaluated: 2019-11-14. Review status: criteria provided, single submitter. Criteria: Invitae Variant Classification Sherloc (09022015). Collection method: clinical testing. Allele origin: germline.
Comment: This variant results in a copy number gain of the genomic region encompassing the full coding sequence of the NBN gene. The boundaries of this event are unknown as they extend beyond the assayed region for this gene and therefore may encompass additional genes. As the precise location of this event is unknown, it may be in tandem or it may be located elsewhere in the genome. This variant has not been reported in the literature in individuals with NBN-related conditions. Experimental studies and prediction algorithms are not available or were not evaluated, and the functional significance of this variant is currently unknown. In summary, the available evidence is currently insufficient to determine the role of this variant in disease. Therefore, it has been classified as a Variant of Uncertain Significance.

NC_000008.10:g.(?_90947804)_(90955600_?)dup

Gene: NBN (nibrin; minus strand). Cytogenetic location: 8q21.3.
Variant type: Duplication.
Identifiers: ClinVar variation 530786 (VCV000530786.2).